The following is an entry in ClinVar:

ClinVar aggregate classification (germline): Uncertain significance (1 of 4 stars; one submission).

Conditions:
Hypoparathyroidism, familial isolated 1 (FIH1). Identifiers: MedGen C5241444, MONDO:0007796, OMIM 146200.

Submission:

Neuberg Centre For Genomic Medicine, NCGM
Classification: Uncertain significance for Hypoparathyroidism, familial isolated 1. Review status: criteria provided, single submitter. Criteria: ACMG Guidelines, 2015. Collection method: clinical testing. Allele origin: germline. Inheritance: Autosomal recessive inheritance. Affected: yes.
Comment: The missense variant p.V33E in PTH (NM_000315.4) has not been reported previously as a pathogenic variant nor as a benign variant, to our knowledge. The p.V33E variant is novel (not in any individuals) in gnomAD Exomes and is novel (not in any individuals) in 1000 Genomes. The p.V33E missense variant is predicted to be damaging by both SIFT and PolyPhen2. The valine residue at codon 33 of PTH is conserved in all mammalian species. The nucleotide c.98 in PTH is predicted conserved by GERP++ and PhyloP across 100 vertebrates. For these reasons, this variant has been classified as Uncertain Significance.

NM_000315.4(PTH):c.98T>A (p.Val33Glu)

Gene: PTH (parathyroid hormone; minus strand). Cytogenetic location: 11p15.3.
Variant type: single nucleotide variant.
Coding change: c.98T>A on transcript NM_000315.4 (MANE Select); coding-DNA position 98, T replaced by A.
Protein change: p.Val33Glu; replaces valine 33 with glutamic acid.
Molecular consequence: missense variant.
Genome position (GRCh38, 1-based): chr11:13,492,655, A>T on the plus strand (T>A on the coding strand, the complement: PTH is on the minus strand). VCF-style: chr11-13492655-A-T. GRCh37 (hg19) VCF-style: chr11-13514202-A-T.
Other names: c.194T>A, p.Val65Glu (NM_001316352.2); short protein forms V33E, V65E.
Identifiers: ClinVar variation 2627520 (VCV002627520.1), dbSNP rs2499939905, ClinGen allele CA379724852.